The following is an entry in ClinVar:

NM_004415.4(DSP):c.1444T>C (p.Cys482Arg)

Gene: DSP (desmoplakin; plus strand). Cytogenetic location: 6p24.3.
Variant type: single nucleotide variant.
Coding change: c.1444T>C on transcript NM_004415.4 (MANE Select); coding-DNA position 1444, T replaced by C.
Protein change: p.Cys482Arg; replaces cysteine 482 with arginine.
Molecular consequence: missense variant.
Genome position (GRCh38, 1-based): chr6:7,569,210, T>C. VCF-style: chr6-7569210-T-C. GRCh37 (hg19) VCF-style: chr6-7569443-T-C.
Other names: c.1444T>C, p.Cys482Arg (NM_001008844.3, NM_001319034.2); c.1444T>C (LRG_423t1); short protein forms C482R.
Identifiers: ClinVar variation 626738 (VCV000626738.10), dbSNP rs746816016, ClinGen allele CA362677416.

ClinVar aggregate classification (germline): Uncertain significance. Review status: criteria provided, multiple submitters, no conflicts (2 of 4 stars). 3 submissions from 3 submitters: Uncertain significance (3). Last evaluated 2022-08-25.

Conditions:
Arrhythmogenic cardiomyopathy with wooly hair and keratoderma. Also called: Carvajal syndrome; Dilated cardiomyopathy with woolly hair and keratoderma; Arrhythmogenic cardiomyopathy with woolly hair and keratoderma; PALMOPLANTAR KERATODERMA WITH LEFT VENTRICULAR CARDIOMYOPATHY AND WOOLLY HAIR. Identifiers: Orphanet 65282, MedGen C1854063, MONDO:0011581, OMIM 605676.
Arrhythmogenic right ventricular dysplasia 8 (ARVD8). Also called: Arrhythmogenic Right Ventricular Dysplasia/Cardiomyopathy 8; ARRHYTHMOGENIC RIGHT VENTRICULAR DYSPLASIA, FAMILIAL, 8; ARRHYTHMOGENIC RIGHT VENTRICULAR CARDIOMYOPATHY 8. Identifiers: MedGen C1843896, MONDO:0011831, OMIM 607450.
Cardiomyopathy (CMYO). Also called: Cardiomyopathies. Identifiers: Orphanet 167848, MedGen C0878544, MONDO:0004994, HP:0001638. Inheritance: Various modes of inheritance.

Submissions (3):

Blueprint Genetics
Classification: Uncertain significance. Last evaluated: 2022-08-25. Review status: criteria provided, single submitter. Criteria: ACMG Guidelines, 2015. Collection method: clinical testing. Allele origin: germline.

Labcorp Genetics (formerly Invitae), Labcorp
Classification: Uncertain significance for Arrhythmogenic cardiomyopathy with wooly hair and keratoderma; Arrhythmogenic right ventricular dysplasia 8. Last evaluated: 2021-09-25. Review status: criteria provided, single submitter. Criteria: Invitae Variant Classification Sherloc (09022015). Collection method: clinical testing. Allele origin: germline.
Comment: This sequence change replaces cysteine with arginine at codon 482 of the DSP protein (p.Cys482Arg). The cysteine residue is highly conserved and there is a large physicochemical difference between cysteine and arginine. This variant is not present in population databases (ExAC no frequency). This variant has not been reported in the literature in individuals affected with DSP-related conditions. Algorithms developed to predict the effect of missense changes on protein structure and function are either unavailable or do not agree on the potential impact of this missense change (SIFT: "Deleterious"; PolyPhen-2: "Probably Damaging"; Align-GVGD: "Class C0"). In summary, the available evidence is currently insufficient to determine the role of this variant in disease. Therefore, it has been classified as a Variant of Uncertain Significance.

CHEO Genetics Diagnostic Laboratory, Children's Hospital of Eastern Ontario
Classification: Uncertain significance for Cardiomyopathy. Last evaluated: 2016-11-23. Review status: criteria provided, single submitter. Criteria: ACMG Guidelines, 2015. Collection method: clinical testing. Allele origin: germline. Study: Canadian Open Genetics Repository.